The following is an entry in ClinVar:

ClinVar aggregate classification (germline): Uncertain significance. Review status: criteria provided, multiple submitters, no conflicts (2 of 4 stars). 3 submissions from 3 submitters: Uncertain significance (3). Last evaluated 2025-11-17.

Allele frequency attached by ClinVar (database versions not stated): ExAC 0.00001; gnomAD exomes 0.00002; gnomAD 0.00003; TOPMed 0.00005.

Submissions (3):

Labcorp Genetics (formerly Invitae), Labcorp
Classification: Uncertain significance. Last evaluated: 2025-11-17. Review status: criteria provided, single submitter. Criteria: Invitae Variant Classification Sherloc (09022015). Collection method: clinical testing. Allele origin: germline.
Comment: This sequence change replaces proline, which is neutral and non-polar, with alanine, which is neutral and non-polar, at codon 489 of the MMP9 protein (p.Pro489Ala). This variant is present in population databases (rs776118546, gnomAD 0.01%). This variant has not been reported in the literature in individuals affected with MMP9-related conditions. ClinVar contains an entry for this variant (Variation ID: 199102). An algorithm developed to predict the effect of missense changes on protein structure and function (PolyPhen-2) suggests that this variant is likely to be disruptive. In summary, the available evidence is currently insufficient to determine the role of this variant in disease. Therefore, it has been classified as a Variant of Uncertain Significance.

Blueprint Genetics
Classification: Uncertain significance. Last evaluated: 2023-10-18. Review status: criteria provided, single submitter. Criteria: ACMG Guidelines, 2015. Collection method: clinical testing. Allele origin: germline.

Eurofins Ntd Llc (ga)
Classification: Uncertain significance. Last evaluated: 2015-05-11. Review status: criteria provided, single submitter. Criteria: EGL Classification Definitions 2015. Collection method: clinical testing. Allele origin: germline. Observed: 1 variant allele, 1 heterozygote.

NM_004994.3(MMP9):c.1465C>G (p.Pro489Ala)

Gene: MMP9 (matrix metallopeptidase 9; plus strand). Cytogenetic location: 20q13.12.
Variant type: single nucleotide variant.
Coding change: c.1465C>G on transcript NM_004994.3 (MANE Select); coding-DNA position 1465, C replaced by G.
Protein change: p.Pro489Ala; replaces proline 489 with alanine.
Molecular consequence: missense variant.
Genome position (GRCh38, 1-based): chr20:46,013,389, C>G. VCF-style: chr20-46013389-C-G. GRCh37 (hg19) VCF-style: chr20-44642028-C-G.
Other names: short protein forms P489A.
Identifiers: ClinVar variation 199102 (VCV000199102.10), dbSNP rs776118546, ClinGen allele CA248114.
Genomic context (GRCh38, chr20:46,013,389, plus strand): 5'-CCCACCGGACCCCCCACTGTCCACCCCTCAGAGCGCCCCACAGCTGGCCCCACAGGTCCC[C>G]CCTCAGCTGGCCCCACAGGTCCCCCCACTGCTGGCCCTTCTACGGCCACTACTGTGCCTT-3'
Protein context (NP_004985.2, residues 479-499): ERPTAGPTGP[Pro489Ala]SAGPTGPPTA